The following is an entry in ClinVar:

ClinVar aggregate classification (germline): Likely benign (1 of 4 stars; one submission).

Submission:

CeGaT Center for Human Genetics Tuebingen
Classification: Likely benign. Last evaluated: 2024-03-01. Review status: criteria provided, single submitter. Criteria: CeGaT Center For Human Genetics Tuebingen Variant Classification Criteria Version 2. Collection method: clinical testing. Allele origin: germline. Affected: yes. Observed: 1 variant allele.
Comment: ZNF665: PM2:Supporting, BP4, BP7

NM_024733.5(ZNF665):c.1353T>C (p.Ile451=)

Gene: ZNF665 (zinc finger protein 665; minus strand). Cytogenetic location: 19q13.42.
Variant type: single nucleotide variant.
Coding change: c.1353T>C on transcript NM_024733.5 (MANE Select); coding-DNA position 1353, T replaced by C.
Protein change: p.Ile451=; no amino-acid change (isoleucine 451 retained).
Molecular consequence: synonymous variant.
Genome position (GRCh38, 1-based): chr19:53,165,137, A>G on the plus strand (T>C on the coding strand, the complement: ZNF665 is on the minus strand). VCF-style: chr19-53165137-A-G. GRCh37 (hg19) VCF-style: chr19-53668390-A-G.
Other names: c.1437T>C, p.Ile479= (NM_001353458.2); c.1353T>C, p.Ile451= (NM_001353459.2); c.1347T>C, p.Ile449= (NM_001353457.2).
Identifiers: ClinVar variation 3026256 (VCV003026256.22), dbSNP rs1252647881, ClinGen allele CA508845427.